The following is an entry in ClinVar:

ClinVar aggregate classification (germline): Uncertain significance (1 of 4 stars; one submission).

Conditions:
Familial thoracic aortic aneurysm and aortic dissection (TAAD). Also called: Thoracic aortic aneurysms and dissections. Identifiers: Orphanet 91387, MedGen C4707243, MONDO:0019625.

Submission:

Color Diagnostics, LLC DBA Color Health
Classification: Uncertain significance for Familial thoracic aortic aneurysm and aortic dissection. Last evaluated: 2025-06-26. Review status: criteria provided, single submitter. Criteria: ACMG Guidelines, 2015. Collection method: clinical testing. Allele origin: germline.
Comment: This variant causes an in-frame deletion of one amino acid at exon 31 of the MYH11 protein. To our knowledge, functional studies have not been reported for this variant. This variant has not been reported in individuals affected with MYH11-related disorders in the literature. This variant has not been identified in the general population by the Genome Aggregation Database (gnomAD). The available evidence is insufficient to determine the role of this variant in disease conclusively. Therefore, this variant is classified as a Variant of Uncertain Significance.

NM_002474.3(MYH11):c.4024GAG[2] (p.Glu1344del)

Genes: MYH11 (myosin heavy chain 11; minus strand), NDE1 (nudE neurodevelopment protein 1; plus strand). Cytogenetic location: 16p13.11.
Variant type: Microsatellite.
Coding change: c.4024GAG[2] on transcript NM_002474.3 (MANE Select); two copies in a row of the 3-base unit GAG starting at c.4024; the reference has three copies in a row; one copy, 3 bases deleted.
Protein change: p.Glu1344del; deletes glutamic acid 1344.
Molecular consequence: 3 prime UTR variant (on NM_017668.3).
Genome position (GRCh38, 1-based): chr16:15,724,731-15,724,733, CTC deleted on the plus strand (GAG on the coding strand, the reverse complement: MYH11 is on the minus strand); deleting any 3 consecutive bases within chr16:15,724,731-15,724,740 gives the same sequence; the position shown is the placement nearest the transcript's 3' end. VCF-style (leftmost placement, unchanged base first): chr16-15724730-GCTC-G. GRCh37 (hg19) VCF-style: chr16-15818587-GCTC-G.
Other names: c.4045GAG[2], p.Glu1351del (NM_001040113.2, NM_001040114.2); c.4024GAG[2], p.Glu1344del (NM_022844.3); c.*481TCC[2] (NM_001143979.2, NM_017668.3); c.4051_4053del (NM_001040113.2); short protein forms E1344del, E1351del.
Identifiers: ClinVar variation 4758577 (VCV004758577.1).